The following is an entry in ClinVar:

NM_014946.4(SPAST):c.410del (p.Glu137fs)

Gene: SPAST (spastin; plus strand). Cytogenetic location: 2p22.3.
Variant type: Deletion.
Coding change: c.410del on transcript NM_014946.4 (MANE Select); coding-DNA position 410, one base deleted (A; older notation c.410delA).
Protein change: p.Glu137fs; shifts the reading frame from glutamic acid 137.
Molecular consequence: frameshift variant.
Genome position (GRCh38, 1-based): chr2:32,064,241, A deleted. VCF-style (leftmost placement, unchanged base first): chr2-32064240-GA-G. GRCh37 (hg19) VCF-style: chr2-32289309-GA-G.
Other names: c.410delA (NM_014946.3); c.410del, p.Glu137fs (NM_001363823.2, NM_001363875.2, NM_001377959.1 and 1 more transcripts); short protein forms E137fs.
Identifiers: ClinVar variation 409033 (VCV000409033.6), dbSNP rs1060502229, ClinGen allele CA16610746.
Genomic context (GRCh38, chr2:32,064,240, plus strand): 5'-CGAGTCTTCCACAAACAGGCCTTCGAGTACATCTCCATTGCCCTGCGCATCGATGAGGAT[GA>G]GAAAGGTAACTAGGGGGCTGGGGGAGGGGGCGGCGGCGCCGGGAAGAAGGCGGTGGGGTC-3'

ClinVar aggregate classification (germline): Pathogenic (1 of 4 stars; one submission).

Conditions:
Hereditary spastic paraplegia 4. Also called: Spastic paraplegia 4, autosomal dominant; Familial spastic paraplegia autosomal dominant 2; Spastic Paraplegia 4. Identifiers: Orphanet 100985, MedGen C1866855, MONDO:0008438, OMIM 182601.

Submission:

Labcorp Genetics (formerly Invitae), Labcorp
Classification: Pathogenic for Hereditary spastic paraplegia 4. Last evaluated: 2017-07-29. Review status: criteria provided, single submitter. Criteria: Invitae Variant Classification Sherloc (09022015). Collection method: clinical testing. Allele origin: germline.
Comment: For these reasons, this variant has been classified as Pathogenic. While this particular variant has not been reported in the literature, loss-of-function variants in SPAST are known to be pathogenic (PMID: 20932283). This sequence change deletes 1 nucleotide from exon 1 of the SPAST mRNA (c.410delA), causing a frameshift at codon 137. This creates a premature translational stop signal (p.Glu137Glyfs*24) and is expected to result in an absent or disrupted protein product.

Literature cited by the submitters: PubMed 20932283.